The following is an entry in ClinVar:

ClinVar aggregate classification (germline): Uncertain significance (0 of 4 stars; one submission).

Submission:

Department of Pathology and Laboratory Medicine, Sinai Health System
Classification: Uncertain significance. Review status: no assertion criteria provided. Collection method: clinical testing. Allele origin: unknown. Affected: yes. Study: The Canadian Open Genetics Repository (COGR).
Comment: The ADAM10 p.Ser80Phe variant was not identified in the literature nor was it identified in dbSNP, ClinVar or in the following control databases: the 1000 Genomes Project, the NHLBI GO Exome Sequencing Project, or the Genome Aggregation Database (March 6, 2019, v2.1.1). Although the p.Ser80 residue is not conserved in mammals and other organisms, computational analyses (PolyPhen-2, SIFT, AlignGVGD, BLOSUM, MutationTaster) suggest that the variant may impact the protein. The variant occurs outside of the splicing consensus sequence and in silico or computational prediction software programs (SpliceSiteFinder, MaxEntScan, NNSPLICE, GeneSplicer) do not predict a difference in splicing. In summary, based on the above information the clinical significance of this variant cannot be determined with certainty at this time. This variant is classified as a variant of uncertain significance.

NM_001110.4(ADAM10):c.239C>T (p.Ser80Phe)

Gene: ADAM10 (ADAM metallopeptidase domain 10; minus strand). Cytogenetic location: 15q21.3.
Variant type: single nucleotide variant.
Coding change: c.239C>T on transcript NM_001110.4 (MANE Select); coding-DNA position 239, C replaced by T.
Protein change: p.Ser80Phe; replaces serine 80 with phenylalanine.
Molecular consequence: missense variant.
Genome position (GRCh38, 1-based): chr15:58,682,282, G>A on the plus strand (C>T on the coding strand, the complement: ADAM10 is on the minus strand). VCF-style: chr15-58682282-G-A. GRCh37 (hg19) VCF-style: chr15-58974481-G-A.
Other names: c.239C>T, p.Ser80Phe (NM_001320570.2); short protein forms S80F.
Identifiers: ClinVar variation 1050767 (VCV001050767.1), dbSNP rs2140755160, ClinGen allele CA392624989.